The following is an entry in ClinVar:

NM_000548.5(TSC2):c.683A>G (p.Tyr228Cys)

Gene: TSC2 (TSC complex subunit 2; plus strand). Cytogenetic location: 16p13.3.
Variant type: single nucleotide variant.
Coding change: c.683A>G on transcript NM_000548.5 (MANE Select); coding-DNA position 683, A replaced by G.
Protein change: p.Tyr228Cys; replaces tyrosine 228 with cysteine.
Molecular consequence: missense variant.
Genome position (GRCh38, 1-based): chr16:2,056,678, A>G. VCF-style: chr16-2056678-A-G. GRCh37 (hg19) VCF-style: chr16-2106679-A-G.
Other names: c.683A>G (NM_000548.3); c.716A>G, p.Tyr239Cys (NM_001318832.2); c.683A>G, p.Tyr228Cys (NM_001363528.2, NM_001370404.1, NM_001370405.1 and 3 more transcripts); c.572A>G, p.Tyr191Cys (NM_001318827.2); c.536A>G, p.Tyr179Cys (NM_001318829.2); c.83A>G, p.Tyr28Cys (NM_001318831.2); short protein forms Y179C, Y191C, Y228C, Y239C, Y28C.
Identifiers: ClinVar variation 1011903 (VCV001011903.11), dbSNP rs2085882405, ClinGen allele CA394312530.

ClinVar aggregate classification (germline): Uncertain significance. Review status: criteria provided, multiple submitters, no conflicts (2 of 4 stars). 2 submissions from 2 submitters: Uncertain significance (2). Last evaluated 2026-07-14.

Conditions:
Hereditary cancer-predisposing syndrome. Also called: Tumor predisposition; Hereditary Cancer Syndrome; Hereditary neoplastic syndrome; Neoplastic Syndromes, Hereditary. Identifiers: Orphanet 140162, MedGen C0027672, MeSH D009386, MONDO:0015356.
Tuberous sclerosis 2 (TSC2). Identifiers: Orphanet 805, MedGen C1860707, MONDO:0013199, OMIM 613254.

Allele frequency attached by ClinVar (database versions not stated): gnomAD exomes below 0.00001.
gnomAD v4.1: 1 of 1,612,378 alleles (0.000062%); highest among the groups gnomAD compares: East Asian, 0.0022%; no homozygotes.

Submissions (2):

Ambry Genetics
Classification: Uncertain significance for Hereditary cancer-predisposing syndrome. Last evaluated: 2026-07-14. Review status: criteria provided, single submitter. Criteria: Ambry Variant Classification Scheme 2023. Collection method: clinical testing. Allele origin: germline.
Comment: The p.Y228C variant (also known as c.683A>G), located in coding exon 7 of the TSC2 gene, results from an A to G substitution at nucleotide position 683. The tyrosine at codon 228 is replaced by cysteine, an amino acid with highly dissimilar properties. This amino acid position is highly conserved in available vertebrate species. In addition, this alteration is predicted to be deleterious by in silico analysis. Based on the available evidence, the clinical significance of this variant remains unclear.

Labcorp Genetics (formerly Invitae), Labcorp
Classification: Uncertain significance for Tuberous sclerosis 2. Last evaluated: 2020-02-27. Review status: criteria provided, single submitter. Criteria: Invitae Variant Classification Sherloc (09022015). Collection method: clinical testing. Allele origin: germline.
Comment: Algorithms developed to predict the effect of missense changes on protein structure and function (SIFT, PolyPhen-2, Align-GVGD) all suggest that this variant is likely to be disruptive, but these predictions have not been confirmed by published functional studies and their clinical significance is uncertain. In summary, the available evidence is currently insufficient to determine the role of this variant in disease. Therefore, it has been classified as a Variant of Uncertain Significance. This variant has not been reported in the literature in individuals with TSC2-related conditions. This variant is not present in population databases (ExAC no frequency). This sequence change replaces tyrosine with cysteine at codon 228 of the TSC2 protein (p.Tyr228Cys). The tyrosine residue is highly conserved and there is a large physicochemical difference between tyrosine and cysteine.